The following is an entry in ClinVar:

NM_001384140.1(PCDH15):c.2619A>G (p.Glu873=)

Gene: PCDH15 (protocadherin related 15; minus strand). Cytogenetic location: 10q21.1.
Variant type: single nucleotide variant.
Coding change: c.2619A>G on transcript NM_001384140.1 (MANE Select); coding-DNA position 2619, A replaced by G.
Protein change: p.Glu873=; no amino-acid change (glutamic acid 873 retained).
Molecular consequence: synonymous variant.
Genome position (GRCh38, 1-based): chr10:54,020,324, T>C on the plus strand (A>G on the coding strand, the complement: PCDH15 is on the minus strand). VCF-style: chr10-54020324-T-C. GRCh37 (hg19) VCF-style: chr10-55780084-T-C.
Other names: c.2634A>G, p.Glu878= (NM_001142763.2, NM_001142771.2); c.2619A>G, p.Glu873= (NM_001142764.2, NM_001142766.2, NM_001142770.3 and 5 more transcripts); c.2406A>G, p.Glu802= (NM_001142765.2); c.2508A>G, p.Glu836= (NM_001142767.2); c.2553A>G, p.Glu851= (NM_001142768.2, NM_001142773.2, NM_001354404.2); c.2655A>G, p.Glu885= (NM_001142769.4); c.2640A>G, p.Glu880= (NM_001354411.2).
Identifiers: ClinVar variation 195536 (VCV000195536.21), dbSNP rs150784450, ClinGen allele CA241991.

ClinVar aggregate classification (germline): Conflicting classifications of pathogenicity. Review status: criteria provided, conflicting classifications (1 of 4 stars). 6 submissions from 6 submitters: Uncertain significance (1); Likely benign (4). 1 of the submissions does not count toward it. Last evaluated 2026-01-18.

Conditions:
PCDH15-related disorder. Also called: PCDH15-related condition; PCDH15-related disorders.
Usher syndrome type 1F (USH1F). Also called: USHER SYNDROME, TYPE IF. Identifiers: Orphanet 231169, Orphanet 886, MedGen C1865885, MONDO:0011186, OMIM 602083.

Allele frequency attached by ClinVar (database versions not stated): gnomAD 0.00009; gnomAD exomes 0.00011 and 0.00017; TOPMed 0.00011; ESP Exome Variant Server 0.00015; 1000 Genomes Project 0.00040; 1000 Genomes Project 30x 0.00047; ExAC 0.00017.
gnomAD v4.1: 253 of 1,613,844 alleles (0.016%); highest among the groups gnomAD compares: Non-Finnish European, 0.02%; no homozygotes.

Submissions (6):

Labcorp Genetics (formerly Invitae), Labcorp
Classification: Likely benign. Last evaluated: 2026-01-18. Review status: criteria provided, single submitter. Criteria: Invitae Variant Classification Sherloc (09022015). Collection method: clinical testing. Allele origin: germline.

PreventionGenetics, part of Exact Sciences
Classification: Likely benign for PCDH15-related condition. Last evaluated: 2025-02-12. Review status: criteria provided, single submitter. Criteria: ACMG Guidelines, 2015. Collection method: clinical testing. Allele origin: germline.
Comment: This variant is classified as likely benign based on ACMG/AMP sequence variant interpretation guidelines (Richards et al. 2015 PMID: 25741868, with internal and published modifications).

Blueprint Genetics
Classification: Likely benign. Last evaluated: 2024-09-10. Review status: criteria provided, single submitter. Criteria: ACMG Guidelines, 2015. Collection method: clinical testing. Allele origin: germline.

GeneDx
Classification: Likely benign. Last evaluated: 2020-12-18. Review status: criteria provided, single submitter. Criteria: GeneDx Variant Classification Process June 2021. Collection method: clinical testing. Allele origin: germline. Affected: yes.

Eurofins Ntd Llc (ga)
Classification: Uncertain significance. Last evaluated: 2015-02-12. Review status: criteria provided, single submitter. Criteria: EGL Classification Definitions 2015. Collection method: clinical testing. Allele origin: germline. Observed: 1 variant allele, 1 heterozygote.

Natera, Inc.
Classification: Likely benign for Usher syndrome type 1F. Last evaluated: 2020-09-16. Review status: no assertion criteria provided. Collection method: clinical testing. Allele origin: germline. Not counted in ClinVar's aggregate classification.